The following is an entry in ClinVar:

ClinVar aggregate classification (germline): Benign (0 of 4 stars; one submission).

Conditions:
TASP1-related disorder. Also called: TASP1-related condition.

Submission:

PreventionGenetics, part of Exact Sciences
Classification: Benign for TASP1-related condition. Last evaluated: 2019-10-30. Review status: no assertion criteria provided. Collection method: clinical testing. Allele origin: germline.
Comment: This variant is classified as benign based on ACMG/AMP sequence variant interpretation guidelines (Richards et al. 2015 PMID: 25741868, with internal and published modifications).

NM_017714.3(TASP1):c.404-7_404-5dup

Gene: TASP1 (taspase 1; minus strand). Cytogenetic location: 20p12.1.
Variant type: Duplication.
Coding change: c.404-7_404-5dup on transcript NM_017714.3 (MANE Select); 7 bases into the intron before coding-DNA position 404 through 5 bases into the intron before coding-DNA position 404, 3 bases duplicated (TTT; older notation c.404-7_404-5dupTTT).
Molecular consequence: intron variant.
Genome position (GRCh38, 1-based): chr20:13,580,986-13,580,988, AAA duplicated on the plus strand (TTT on the coding strand, the reverse complement: TASP1 is on the minus strand); duplicating any 3 consecutive bases within chr20:13,580,986-13,581,001 gives the same sequence; the c. name uses the placement nearest the transcript's 3' end. VCF-style (leftmost placement, unchanged base first): chr20-13580985-T-TAAA. GRCh37 (hg19) VCF-style: chr20-13561632-T-TAAA.
Other names: c.282+42458_282+42460dup (NM_001323602.2); c.98-7_98-5dup (NM_001323604.2, NM_001323603.2).
Identifiers: ClinVar variation 3042363 (VCV003042363.2), dbSNP rs71334133, ClinGen allele CA9766732.